The following is an entry in ClinVar:

ClinVar aggregate classification (germline): Uncertain significance (1 of 4 stars; one submission).

Allele frequency attached by ClinVar (database versions not stated): gnomAD 0.00001; gnomAD exomes 0.00001.
gnomAD v4.1: 12 of 1,613,986 alleles (0.00074%); highest among the groups gnomAD compares: Non-Finnish European, 0.001%; no homozygotes.

Submission:

Labcorp Genetics (formerly Invitae), Labcorp
Classification: Uncertain significance. Last evaluated: 2022-06-03. Review status: criteria provided, single submitter. Criteria: Invitae Variant Classification Sherloc (09022015). Collection method: clinical testing. Allele origin: germline.
Comment: This variant has not been reported in the literature in individuals affected with SPART-related conditions. This variant is not present in population databases (gnomAD no frequency). This sequence change replaces lysine, which is basic and polar, with asparagine, which is neutral and polar, at codon 515 of the SPART protein (p.Lys515Asn). In summary, the available evidence is currently insufficient to determine the role of this variant in disease. Therefore, it has been classified as a Variant of Uncertain Significance. Algorithms developed to predict the effect of missense changes on protein structure and function are either unavailable or do not agree on the potential impact of this missense change (SIFT: "Deleterious"; PolyPhen-2: "Possibly Damaging"; Align-GVGD: "Class C0").

NM_015087.5(SPART):c.1545G>C (p.Lys515Asn)

Gene: SPART (spartin; minus strand). Cytogenetic location: 13q13.3.
Variant type: single nucleotide variant.
Coding change: c.1545G>C on transcript NM_015087.5 (MANE Select); coding-DNA position 1545, G replaced by C.
Protein change: p.Lys515Asn; replaces lysine 515 with asparagine.
Molecular consequence: missense variant.
Genome position (GRCh38, 1-based): chr13:36,312,416, C>G on the plus strand (G>C on the coding strand, the complement: SPART is on the minus strand). VCF-style: chr13-36312416-C-G. GRCh37 (hg19) VCF-style: chr13-36886553-C-G.
Other names: c.1545G>C, p.Lys515Asn (NM_001142294.2, NM_001142295.2, NM_001142296.2); short protein forms K515N.
Identifiers: ClinVar variation 2039956 (VCV002039956.3), dbSNP rs1056958534, ClinGen allele CA387857180.